The following is an entry in ClinVar:

NM_152415.3(VPS37A):c.125+8G>A

Gene: VPS37A (VPS37A subunit of ESCRT-I; plus strand). Cytogenetic location: 8p22.
Variant type: single nucleotide variant.
Coding change: c.125+8G>A on transcript NM_152415.3 (MANE Select); 8 bases into the intron after coding-DNA position 125, G replaced by A.
Molecular consequence: intron variant.
Genome position (GRCh38, 1-based): chr8:17,247,377, G>A. VCF-style: chr8-17247377-G-A. GRCh37 (hg19) VCF-style: chr8-17104886-G-A.
Other names: c.-191+8G>A (NM_001363172.2, NM_001363168.1, NM_001363170.1); c.125+8G>A (NM_001363173.2, NM_001363167.1, NM_001145152.2); c.-141+8G>A (NM_001363169.1, NM_001363171.1).
Identifiers: ClinVar variation 509802 (VCV000509802.16), dbSNP rs145945235, ClinGen allele CA4643101.

ClinVar aggregate classification (germline): Benign. Review status: criteria provided, multiple submitters, no conflicts (2 of 4 stars). 4 submissions from 4 submitters: Benign (4). Last evaluated 2026-01-08.

Conditions:
Hereditary spastic paraplegia 53. Also called: Spastic paraplegia 53, autosomal recessive. Identifiers: Orphanet 319199, MedGen C3539494, MONDO:0013962, OMIM 614898.
Hereditary spastic paraplegia. Also called: Familial spastic paraparesis. Identifiers: Orphanet 685, MedGen C0037773, MONDO:0019064. Disease mechanism: loss of function.

Allele frequency attached by ClinVar (database versions not stated): ESP Exome Variant Server 0.00008; gnomAD 0.00156 and 0.00216; gnomAD exomes 0.00200 and 0.00447; ExAC 0.00263; TOPMed 0.00397; 1000 Genomes Project 30x 0.01015; 1000 Genomes Project 0.01118.
gnomAD v4.1: 3,151 of 1,528,448 alleles (0.21%); highest among the groups gnomAD compares: East Asian, 6.4%; 98 homozygotes.

Submissions (4):

Labcorp Genetics (formerly Invitae), Labcorp
Classification: Benign for Hereditary spastic paraplegia 53. Last evaluated: 2026-01-08. Review status: criteria provided, single submitter. Criteria: Invitae Variant Classification Sherloc (09022015). Collection method: clinical testing. Allele origin: germline.

Genome Diagnostics Laboratory, The Hospital for Sick Children
Classification: Benign for Hereditary spastic paraplegia. Last evaluated: 2019-09-01. Review status: criteria provided, single submitter. Criteria: ACMG Guidelines, 2015. Collection method: clinical testing. Allele origin: germline. Affected: yes.

GeneDx
Classification: Benign. Last evaluated: 2017-05-22. Review status: criteria provided, single submitter. Criteria: GeneDx Variant Classification (06012015). Collection method: clinical testing. Allele origin: germline. Affected: yes.
Comment: This variant is considered likely benign or benign based on one or more of the following criteria: it is a conservative change, it occurs at a poorly conserved position in the protein, it is predicted to be benign by multiple in silico algorithms, and/or has population frequency not consistent with disease.

Breakthrough Genomics
Classification: Benign. Review status: criteria provided, single submitter. Criteria: ACMG Guidelines, 2015. Collection method: not provided. Allele origin: germline. Inheritance: Autosomal recessive inheritance. Affected: yes.